The following is an entry in ClinVar:

ClinVar aggregate classification (germline): Uncertain significance. Review status: criteria provided, multiple submitters, no conflicts (2 of 4 stars). 2 submissions from 2 submitters: Uncertain significance (2). Last evaluated 2024-09-25.

Conditions:
Neuropathy, hereditary sensory and autonomic, type 2A (HSAN2A). Also called: WNK1-Related HSAN2 (HSAN2A); ACROOSTEOLYSIS, GIACCAI TYPE; ACROOSTEOLYSIS, NEUROGENIC; HSAN IIA; MORVAN DISEASE; NEUROPATHY, CONGENITAL SENSORY. Identifiers: Orphanet 970, MedGen C2752089, MONDO:0024309, OMIM 201300.
Pseudohypoaldosteronism type 2C (PHA2C). Also called: Pseudohypoaldosteronism Type IIC. Identifiers: Orphanet 757, Orphanet 88940, MedGen C1840391, MONDO:0013778, OMIM 614492.

Allele frequency attached by ClinVar (database versions not stated): gnomAD 0.00001; gnomAD exomes 0.00002 and 0.00004; TOPMed 0.00002; ExAC 0.00004.

Submissions (2):

Labcorp Genetics (formerly Invitae), Labcorp
Classification: Uncertain significance for Neuropathy, hereditary sensory and autonomic, type 2A; Pseudohypoaldosteronism type 2C. Last evaluated: 2024-09-25. Review status: criteria provided, single submitter. Criteria: Invitae Variant Classification Sherloc (09022015). Collection method: clinical testing. Allele origin: germline.
Comment: This sequence change falls in intron 21 of the WNK1 gene. It does not directly change the encoded amino acid sequence of the WNK1 protein. It affects a nucleotide within the consensus splice site. This variant is present in population databases (rs774783305, gnomAD 0.1%). This variant has not been reported in the literature in individuals affected with WNK1-related conditions. ClinVar contains an entry for this variant (Variation ID: 631692). Variants that disrupt the consensus splice site are a relatively common cause of aberrant splicing (PMID: 17576681, 9536098). Algorithms developed to predict the effect of sequence changes on RNA splicing suggest that this variant may disrupt the consensus splice site. In summary, the available evidence is currently insufficient to determine the role of this variant in disease. Therefore, it has been classified as a Variant of Uncertain Significance.

Fulgent Genetics
Classification: Uncertain significance for Neuropathy, hereditary sensory and autonomic, type 2A; Pseudohypoaldosteronism type 2C. Last evaluated: 2024-03-04. Review status: criteria provided, single submitter. Criteria: ACMG Guidelines, 2015. Collection method: clinical testing. Allele origin: germline.

Literature cited by the submitters: PubMed 17576681 (cited by Labcorp Genetics (formerly Invitae), Labcorp); PubMed 9536098 (cited by Labcorp Genetics (formerly Invitae), Labcorp).

NM_018979.4(WNK1):c.5448+2dup

Gene: WNK1 (WNK lysine deficient protein kinase 1; plus strand). Cytogenetic location: 12p13.33.
Variant type: Duplication.
Coding change: c.5448+2dup on transcript NM_018979.4 (MANE Select); the canonical splice donor site of the intron after coding-DNA position 5448, one base duplicated (T; older notation c.5448+2dupT).
Molecular consequence: splice donor variant.
Genome position (GRCh38, 1-based): chr12:889,225, T duplicated. VCF-style (leftmost placement, unchanged base first): chr12-889224-G-GT. GRCh37 (hg19) VCF-style: chr12-998390-G-GT.
Other names: c.6204+2dup (NM_213655.5); c.6228+2dup (NM_001184985.2); c.4707+2dup (NM_014823.3).
Identifiers: ClinVar variation 631692 (VCV000631692.11), dbSNP rs774783305, ClinGen allele CA6383171.
Genomic context (GRCh38, chr12:889,224, plus strand): 5'-GATGCTCAATTGAGAAGAACACTTAGTCCAGAGATGATCACAGTGACTTCTGCGGTTGGT[G>GT]TAAGTTTTGAAAATCTTGATAAAATCTCCTCATAACCCTAATATATTATATGCCTGGGAC-3'